The following is an entry in ClinVar:

ClinVar aggregate classification (germline): Conflicting classifications of pathogenicity. Review status: criteria provided, conflicting classifications (1 of 4 stars). 3 submissions from 3 submitters: Uncertain significance (2); Likely benign (1). Last evaluated 2025-07-02.

Conditions:
Cardiovascular phenotype. Identifiers: MedGen CN230736.
Cardiomyopathy (CMYO). Also called: Cardiomyopathies. Identifiers: Orphanet 167848, MedGen C0878544, MONDO:0004994, HP:0001638. Inheritance: Various modes of inheritance.

Allele frequency attached by ClinVar (database versions not stated): gnomAD exomes below 0.00001; TOPMed below 0.00001; gnomAD 0.00001.
gnomAD v4.1: 7 of 1,613,328 alleles (0.00043%); highest among the groups gnomAD compares: Middle Eastern, 0.017%; no homozygotes.

Submissions (3):

Ambry Genetics
Classification: Uncertain significance for Cardiovascular phenotype. Last evaluated: 2025-07-02. Review status: criteria provided, single submitter. Criteria: Ambry Variant Classification Scheme 2023. Collection method: clinical testing. Allele origin: germline.

Color Diagnostics, LLC DBA Color Health
Classification: Uncertain significance for Cardiomyopathy. Last evaluated: 2024-03-06. Review status: criteria provided, single submitter. Criteria: ACMG Guidelines, 2015. Collection method: clinical testing. Allele origin: germline.
Comment: This missense variant replaces histidine with tyrosine at codon 25 of the DSG2 protein. Computational prediction suggests that this variant may not impact protein structure and function (internally defined REVEL score threshold <= 0.5, PMID: 27666373). To our knowledge, functional studies have not been reported for this variant. This variant has not been reported in individuals affected with cardiovascular disorders in the literature. This variant has been identified in 1/31394 chromosomes in the general population by the Genome Aggregation Database (gnomAD). The available evidence is insufficient to determine the role of this variant in disease conclusively. Therefore, this variant is classified as a Variant of Uncertain Significance.

Blueprint Genetics
Classification: Likely benign. Last evaluated: 2023-01-17. Review status: criteria provided, single submitter. Criteria: ACMG Guidelines, 2015. Collection method: clinical testing. Allele origin: germline.

NM_001943.5(DSG2):c.73C>T (p.His25Tyr)

Gene: DSG2 (desmoglein 2; plus strand). Cytogenetic location: 18q12.1.
Variant type: single nucleotide variant.
Coding change: c.73C>T on transcript NM_001943.5 (MANE Select); coding-DNA position 73, C replaced by T.
Protein change: p.His25Tyr; replaces histidine 25 with tyrosine.
Molecular consequence: missense variant.
Genome position (GRCh38, 1-based): chr18:31,518,266, C>T. VCF-style: chr18-31518266-C-T. GRCh37 (hg19) VCF-style: chr18-29098229-C-T.
Other names: c.73C>T (NM_001943.3); short protein forms H25Y.
Identifiers: ClinVar variation 629173 (VCV000629173.6), dbSNP rs1335695492, ClinGen allele CA402129896.